The following is an entry in ClinVar:

NM_001267550.2(TTN):c.50121C>T (p.Asp16707=)

Genes: TTN-AS1 (TTN antisense RNA 1; plus strand), TTN (titin; minus strand). Cytogenetic location: 2q31.2.
Variant type: single nucleotide variant.
Coding change: c.50121C>T on transcript NM_001267550.2 (MANE Select); coding-DNA position 50121, C replaced by T.
Protein change: p.Asp16707=; no amino-acid change (aspartic acid 16707 retained).
Molecular consequence: synonymous variant.
Genome position (GRCh38, 1-based): chr2:178,612,404, G>A on the plus strand (C>T on the coding strand, the complement: TTN is on the minus strand). VCF-style: chr2-178612404-G-A. GRCh37 (hg19) VCF-style: chr2-179477131-G-A.
Other names: c.45198C>T, p.Asp15066= (NM_001256850.1); c.22926C>T, p.Asp7642= (NM_003319.4); c.42417C>T, p.Asp14139= (NM_133378.4); c.23301C>T, p.Asp7767= (NM_133432.3); c.23502C>T, p.Asp7834= (NM_133437.4).
Identifiers: ClinVar variation 668163 (VCV000668163.10), dbSNP rs753788191, ClinGen allele CA1994442.

ClinVar aggregate classification (germline): Likely benign. Review status: criteria provided, multiple submitters, no conflicts (2 of 4 stars). 2 submissions from 2 submitters: Likely benign (2). Last evaluated 2020-07-16.

Conditions:
Dilated cardiomyopathy 1G (CMD1G). Identifiers: Orphanet 154, MedGen C1858763, MONDO:0011400, OMIM 604145.
Autosomal recessive limb-girdle muscular dystrophy type 2J (LGMDR10). Also called: MUSCULAR DYSTROPHY, LIMB-GIRDLE, AUTOSOMAL RECESSIVE 10; Limb-girdle muscular dystrophy, type 2J. Identifiers: Orphanet 140922, MedGen C1837342, MONDO:0012127, OMIM 608807.

Allele frequency attached by ClinVar (database versions not stated): ExAC 0.00002; gnomAD exomes 0.00002; gnomAD 0.00007.
gnomAD v4.1: 23 of 1,612,396 alleles (0.0014%); no homozygotes.

Submissions (2):

Labcorp Genetics (formerly Invitae), Labcorp
Classification: Likely benign for Dilated cardiomyopathy 1G; Autosomal recessive limb-girdle muscular dystrophy type 2J. Last evaluated: 2020-07-16. Review status: criteria provided, single submitter. Criteria: Invitae Variant Classification Sherloc (09022015). Collection method: clinical testing. Allele origin: germline.

GeneDx
Classification: Likely benign. Last evaluated: 2018-05-01. Review status: criteria provided, single submitter. Criteria: GeneDx Variant Classification (06012015). Collection method: clinical testing. Allele origin: germline. Affected: yes.
Comment: This variant is considered likely benign or benign based on one or more of the following criteria: it is a conservative change, it occurs at a poorly conserved position in the protein, it is predicted to be benign by multiple in silico algorithms, and/or has population frequency not consistent with disease.